The following is an entry in ClinVar:

NM_001394062.1(MACF1):c.2631C>G (p.Ile877Met)

Gene: MACF1 (microtubule actin crosslinking factor 1; plus strand). Cytogenetic location: 1p34.3.
Variant type: single nucleotide variant.
Coding change: c.2631C>G on transcript NM_001394062.1 (MANE Select); coding-DNA position 2631, C replaced by G.
Protein change: p.Ile877Met; replaces isoleucine 877 with methionine.
Molecular consequence: missense variant.
Genome position (GRCh38, 1-based): chr1:39,300,359, C>G. VCF-style: chr1-39300359-C-G. GRCh37 (hg19) VCF-style: chr1-39766031-C-G.
Other names: c.2646C>G, p.Ile882Met (NM_012090.5); short protein forms I877M, I882M.
Identifiers: ClinVar variation 4680982 (VCV004680982.1).

ClinVar aggregate classification (germline): Uncertain significance (1 of 4 stars; one submission).

gnomAD v4.1: 1 of 1,612,578 alleles (0.000062%); highest among the groups gnomAD compares: South Asian, 0.0011%; no homozygotes.

Submission:

GeneDx
Classification: Uncertain significance. Last evaluated: 2025-07-02. Review status: criteria provided, single submitter. Criteria: GeneDx Variant Classification Process June 2021. Collection method: clinical testing. Allele origin: germline. Affected: yes.
Comment: Not observed at significant frequency in large population cohorts (gnomAD); In silico analysis supports that this missense variant has a deleterious effect on protein structure/function; Has not been previously published as pathogenic or benign to our knowledge